The following is an entry in ClinVar:

ClinVar aggregate classification (germline): Uncertain significance. Review status: criteria provided, multiple submitters, no conflicts (2 of 4 stars). 2 submissions from 2 submitters: Uncertain significance (2). Last evaluated 2023-10-13.

Conditions:
Epilepsy, familial adult myoclonic, 5 (EPEO5). Also called: CORTICAL MYOCLONIC TREMOR WITH EPILEPSY, FAMILIAL, 5. Identifiers: Orphanet 86814, MedGen C3809374, MONDO:0014167, OMIM 615400.

Allele frequency attached by ClinVar (database versions not stated): gnomAD 0.00001.
gnomAD v4.1: 25 of 1,614,072 alleles (0.0015%); highest among the groups gnomAD compares: Non-Finnish European, 0.0018%; no homozygotes.

Submissions (2):

Labcorp Genetics (formerly Invitae), Labcorp
Classification: Uncertain significance for Epilepsy, familial adult myoclonic, 5. Last evaluated: 2023-10-13. Review status: criteria provided, single submitter. Criteria: Invitae Variant Classification Sherloc (09022015). Collection method: clinical testing. Allele origin: germline.
Comment: This sequence change replaces arginine, which is basic and polar, with tryptophan, which is neutral and slightly polar, at codon 244 of the CNTN2 protein (p.Arg244Trp). This variant is present in population databases (rs746384894, gnomAD 0.004%). This variant has not been reported in the literature in individuals affected with CNTN2-related conditions. ClinVar contains an entry for this variant (Variation ID: 1388482). Advanced modeling of protein sequence and biophysical properties (such as structural, functional, and spatial information, amino acid conservation, physicochemical variation, residue mobility, and thermodynamic stability) performed at Invitae indicates that this missense variant is not expected to disrupt CNTN2 protein function. In summary, the available evidence is currently insufficient to determine the role of this variant in disease. Therefore, it has been classified as a Variant of Uncertain Significance.

Breakthrough Genomics
Classification: Uncertain significance. Review status: criteria provided, single submitter. Criteria: ACMG Guidelines, 2015. Collection method: not provided. Allele origin: germline. Inheritance: Autosomal recessive inheritance. Affected: yes.

NM_005076.5(CNTN2):c.730C>T (p.Arg244Trp)

Gene: CNTN2 (contactin 2; plus strand). Cytogenetic location: 1q32.1.
Variant type: single nucleotide variant.
Coding change: c.730C>T on transcript NM_005076.5 (MANE Select); coding-DNA position 730, C replaced by T.
Protein change: p.Arg244Trp; replaces arginine 244 with tryptophan.
Molecular consequence: missense variant. On other transcripts: non-coding transcript variant (1).
Genome position (GRCh38, 1-based): chr1:205,059,615, C>T. VCF-style: chr1-205059615-C-T. GRCh37 (hg19) VCF-style: chr1-205028743-C-T.
Other names: c.730C>T, p.Arg244Trp (NM_001346083.2); short protein forms R244W.
Identifiers: ClinVar variation 1388482 (VCV001388482.5), dbSNP rs746384894, ClinGen allele CA1351134.